The following is an entry in ClinVar:

ClinVar aggregate classification (germline): Conflicting classifications of pathogenicity. Review status: criteria provided, conflicting classifications (1 of 4 stars). 4 submissions from 3 submitters: Uncertain significance (2); Likely benign (2). Last evaluated 2026-06-01.

Conditions:
Isolated microphthalmia 5. Also called: Posterior Microphthalmia with Retinitis Pigmentosa, Foveoschisis, and Optic Disc Drusen. Identifiers: Orphanet 251279, MedGen C1970236, MONDO:0012605, OMIM 611040.
Late-onset retinal degeneration (LORD). Also called: RETINAL DEGENERATION, LATE-ONSET, AUTOSOMAL DOMINANT. Identifiers: Orphanet 67042, MedGen C1854065, MONDO:0011579, OMIM 605670. Disease mechanism: loss of function.

Allele frequency attached by ClinVar (database versions not stated): gnomAD exomes 0.00001 and 0.00004; TOPMed 0.00001; ExAC 0.00002.
gnomAD v4.1: 19 of 1,613,824 alleles (0.0012%); highest among the groups gnomAD compares: East Asian, 0.013%; no homozygotes.

Submissions (4):

CeGaT Center for Human Genetics Tuebingen
Classification: Likely benign. Last evaluated: 2026-06-01. Review status: criteria provided, single submitter. Criteria: CeGaT Center For Human Genetics Tuebingen Variant Classification Criteria Version 2. Collection method: clinical testing. Allele origin: germline. Affected: yes. Observed: 1 variant allele.
Comment: C1QTNF5: BP4, BP7

Labcorp Genetics (formerly Invitae), Labcorp
Classification: Likely benign. Last evaluated: 2021-04-01. Review status: criteria provided, single submitter. Criteria: Invitae Variant Classification Sherloc (09022015). Collection method: clinical testing. Allele origin: germline.

Illumina Laboratory Services, Illumina
Classification: Uncertain significance for Isolated microphthalmia 5. Last evaluated: 2018-01-13. Review status: criteria provided, single submitter. Criteria: ICSL Variant Classification Criteria 13 December 2019. Collection method: clinical testing. Allele origin: germline.

Illumina Laboratory Services, Illumina
Classification: Uncertain significance for Late-onset retinal degeneration. Last evaluated: 2018-01-13. Review status: criteria provided, single submitter. Criteria: ICSL Variant Classification Criteria 13 December 2019. Collection method: clinical testing. Allele origin: germline.

NM_001278431.2(C1QTNF5):c.567C>T (p.Ala189=)

Genes: C1QTNF5 (C1q and TNF related 5; minus strand), MFRP (membrane frizzled-related protein; minus strand). Cytogenetic location: 11q23.3.
Variant type: single nucleotide variant.
Coding change: c.567C>T on transcript NM_001278431.2 (MANE Select); coding-DNA position 567, C replaced by T.
Protein change: p.Ala189=; no amino-acid change (alanine 189 retained).
Molecular consequence: synonymous variant. On other transcripts: 3 prime UTR variant (1).
Genome position (GRCh38, 1-based): chr11:119,339,496, G>A on the plus strand (C>T on the coding strand, the complement: C1QTNF5 is on the minus strand). VCF-style: chr11-119339496-G-A. GRCh37 (hg19) VCF-style: chr11-119210206-G-A.
Other names: c.567C>T, p.Ala189= (NM_015645.5); c.*1463C>T (NM_031433.4).
Identifiers: ClinVar variation 302925 (VCV000302925.16), dbSNP rs371634525, ClinGen allele CA6319922.